The following is an entry in ClinVar:

NM_001382391.1(CSPP1):c.2066T>C (p.Leu689Pro)

Gene: CSPP1 (centrosome and spindle pole associated protein 1; plus strand). Cytogenetic location: 8q13.2.
Variant type: single nucleotide variant.
Coding change: c.2066T>C on transcript NM_001382391.1 (MANE Select); coding-DNA position 2066, T replaced by C.
Protein change: p.Leu689Pro; replaces leucine 689 with proline.
Molecular consequence: missense variant. On other transcripts: intron variant (3).
Genome position (GRCh38, 1-based): chr8:67,149,873, T>C. VCF-style: chr8-67149873-T-C. GRCh37 (hg19) VCF-style: chr8-68062108-T-C.
Other names: c.1985T>C, p.Leu662Pro (NM_001363131.2); c.2132T>C, p.Leu711Pro (NM_001364869.1); c.1952T>C, p.Leu651Pro (NM_001364870.1); c.2051T>C, p.Leu684Pro (NM_024790.7); c.1934-4151T>C (NM_001363132.2); c.1853-4151T>C (NM_001363133.2); c.1079-4151T>C (NM_001291339.2); short protein forms L651P, L689P, L684P, L662P, L711P.
Identifiers: ClinVar variation 1387484 (VCV001387484.8), dbSNP rs2129558004, ClinGen allele CA371186587.

ClinVar aggregate classification (germline): Uncertain significance (1 of 4 stars; one submission).

Conditions:
Joubert syndrome 21 (JBTS21). Identifiers: MedGen C3810212, MONDO:0014288, OMIM 615636.

Submission:

Labcorp Genetics (formerly Invitae), Labcorp
Classification: Uncertain significance for Joubert syndrome 21. Last evaluated: 2021-04-13. Review status: criteria provided, single submitter. Criteria: Invitae Variant Classification Sherloc (09022015). Collection method: clinical testing. Allele origin: germline.
Comment: In summary, the available evidence is currently insufficient to determine the role of this variant in disease. Therefore, it has been classified as a Variant of Uncertain Significance. Algorithms developed to predict the effect of missense changes on protein structure and function are either unavailable or do not agree on the potential impact of this missense change (SIFT: "Deleterious"; PolyPhen-2: "Benign"; Align-GVGD: "Class C0"). This variant has not been reported in the literature in individuals with CSPP1-related conditions. This variant is not present in population databases (ExAC no frequency). This sequence change replaces leucine with proline at codon 684 of the CSPP1 protein (p.Leu684Pro). The leucine residue is weakly conserved and there is a moderate physicochemical difference between leucine and proline.